The following is an entry in ClinVar:

ClinVar aggregate classification (germline): Uncertain significance (1 of 4 stars; one submission).

Allele frequency attached by ClinVar (database versions not stated): ExAC 0.00003; gnomAD exomes 0.00003.
gnomAD v4.1: 45 of 1,604,442 alleles (0.0028%); highest among the groups gnomAD compares: Non-Finnish European, 0.0036%; no homozygotes.

Submission:

Labcorp Genetics (formerly Invitae), Labcorp
Classification: Uncertain significance. Last evaluated: 2022-06-06. Review status: criteria provided, single submitter. Criteria: Invitae Variant Classification Sherloc (09022015). Collection method: clinical testing. Allele origin: germline.
Comment: In summary, the available evidence is currently insufficient to determine the role of this variant in disease. Therefore, it has been classified as a Variant of Uncertain Significance. Algorithms developed to predict the effect of missense changes on protein structure and function are either unavailable or do not agree on the potential impact of this missense change (SIFT: "Not Available"; PolyPhen-2: "Probably Damaging"; Align-GVGD: "Not Available"). This variant has not been reported in the literature in individuals affected with CTU2-related conditions. This variant is present in population databases (rs762481891, gnomAD 0.005%). This sequence change replaces glycine, which is neutral and non-polar, with aspartic acid, which is acidic and polar, at codon 95 of the CTU2 protein (p.Gly95Asp).

NM_001012759.3(CTU2):c.284G>A (p.Gly95Asp)

Gene: CTU2 (cytosolic thiouridylase subunit 2; plus strand). Cytogenetic location: 16q24.3.
Variant type: single nucleotide variant.
Coding change: c.284G>A on transcript NM_001012759.3 (MANE Select); coding-DNA position 284, G replaced by A.
Protein change: p.Gly95Asp; replaces glycine 95 with aspartic acid.
Molecular consequence: missense variant.
Genome position (GRCh38, 1-based): chr16:88,711,636, G>A. VCF-style: chr16-88711636-G-A. GRCh37 (hg19) VCF-style: chr16-88778044-G-A.
Other names: c.284G>A, p.Gly95Asp (NM_001012762.3, NM_001318507.2); c.23G>A, p.Gly8Asp (NM_001318513.2); short protein forms G95D, G8D.
Identifiers: ClinVar variation 1947994 (VCV001947994.5), dbSNP rs762481891, ClinGen allele CA8230183.